The following is an entry in ClinVar:

ClinVar aggregate classification (germline): Uncertain significance. Review status: criteria provided, single submitter (1 of 4 stars). 2 submissions from 2 submitters: Uncertain significance (1). 1 of the submissions does not count toward it. Last evaluated 2024-10-17.

Conditions:
CENPF-related disorder. Also called: CENPF-related condition.
Inborn genetic diseases. Identifiers: MedGen C0950123, MeSH D030342.

gnomAD v4.1: 25 of 1,609,610 alleles (0.0016%); highest among the groups gnomAD compares: Admixed American, 0.013%; no homozygotes.

Submissions (2):

Ambry Genetics
Classification: Uncertain significance for Inborn genetic diseases. Last evaluated: 2024-10-17. Review status: criteria provided, single submitter. Criteria: Ambry Variant Classification Scheme 2023. Collection method: clinical testing. Allele origin: germline.

PreventionGenetics, part of Exact Sciences
Classification: Uncertain significance for CENPF-related condition. Last evaluated: 2024-09-27. Review status: no assertion criteria provided. Collection method: clinical testing. Allele origin: germline. Not counted in ClinVar's aggregate classification.
Comment: The CENPF c.8432T>C variant is predicted to result in the amino acid substitution p.Ile2811Thr. To our knowledge, this variant has not been reported in the literature. This variant is reported in 0.012% of alleles in individuals of Latino descent in gnomAD. At this time, the clinical significance of this variant is uncertain due to the absence of conclusive functional and genetic evidence.

NM_016343.4(CENPF):c.8432T>C (p.Ile2811Thr)

Gene: CENPF (centromere protein F; plus strand). Cytogenetic location: 1q41.
Variant type: single nucleotide variant.
Coding change: c.8432T>C on transcript NM_016343.4 (MANE Select); coding-DNA position 8432, T replaced by C.
Protein change: p.Ile2811Thr; replaces isoleucine 2811 with threonine.
Molecular consequence: missense variant.
Genome position (GRCh38, 1-based): chr1:214,655,350, T>C. VCF-style: chr1-214655350-T-C. GRCh37 (hg19) VCF-style: chr1-214828693-T-C.
Other names: short protein forms I2811T.
Identifiers: ClinVar variation 3350719 (VCV003350719.2).